The following is an entry in ClinVar:

ClinVar aggregate classification (germline): Uncertain significance (1 of 4 stars; one submission).

Allele frequency attached by ClinVar (database versions not stated): gnomAD exomes 0.00001; gnomAD 0.00003; TOPMed 0.00005.
gnomAD v4.1: 18 of 1,186,072 alleles (0.0015%); highest among the groups gnomAD compares: Admixed American, 0.0066%; no homozygotes.

Submission:

CeGaT Center for Human Genetics Tuebingen
Classification: Uncertain significance. Last evaluated: 2023-06-01. Review status: criteria provided, single submitter. Criteria: CeGaT Center For Human Genetics Tuebingen Variant Classification Criteria Version 2. Collection method: clinical testing. Allele origin: germline. Affected: yes. Observed: 1 variant allele.
Comment: GABRQ: PM2

NM_018558.4(GABRQ):c.620C>T (p.Thr207Met)

Genes: GABRQ (gamma-aminobutyric acid type A receptor subunit theta; plus strand), MAGEA3-DT (MAGEA3 divergent transcript; minus strand). Cytogenetic location: Xq28.
Variant type: single nucleotide variant.
Coding change: c.620C>T on transcript NM_018558.4 (MANE Select); coding-DNA position 620, C replaced by T.
Protein change: p.Thr207Met; replaces threonine 207 with methionine.
Molecular consequence: missense variant.
Genome position (GRCh38, 1-based): chrX:152,649,751, C>T. VCF-style: chrX-152649751-C-T. GRCh37 (hg19) VCF-style: chrX-151818214-C-T.
Other names: short protein forms T207M.
Identifiers: ClinVar variation 2661669 (VCV002661669.24), dbSNP rs1479573905, ClinGen allele CA415041240.